The following is an entry in ClinVar:

ClinVar aggregate classification (germline): Uncertain significance. Review status: criteria provided, multiple submitters, no conflicts (2 of 4 stars). 3 submissions from 3 submitters: Uncertain significance (3). Last evaluated 2024-07-23.

Conditions:
Congenital adrenal hyperplasia due to cytochrome P450 oxidoreductase deficiency. Also called: DISORDERED STEROIDOGENESIS DUE TO POR DEFICIENCY. Identifiers: Orphanet 95699, MedGen C1860042, MONDO:0013310, OMIM 613571.

Allele frequency attached by ClinVar (database versions not stated): ExAC 0.00006; gnomAD 0.00009 and 0.00011; TOPMed 0.00016; ESP Exome Variant Server 0.00023; 1000 Genomes Project 0.00040; 1000 Genomes Project 30x 0.00047.
gnomAD v4.1: 86 of 1,612,566 alleles (0.0053%); highest among the groups gnomAD compares: African/African-American, 0.031%; no homozygotes.

Submissions (3):

GeneDx
Classification: Uncertain significance. Last evaluated: 2024-07-23. Review status: criteria provided, single submitter. Criteria: GeneDx Variant Classification Process June 2021. Collection method: clinical testing. Allele origin: germline. Affected: yes.
Comment: In silico analysis indicates that this missense variant does not alter protein structure/function; Identified in a cohort of patients in a study examining POR polymorphic alleles and carrier frequencies in Ashkenazi and Moroccan Jewish populations in published literature (PMID: 22462747); This variant is associated with the following publications: (PMID: 22462747)

Labcorp Genetics (formerly Invitae), Labcorp
Classification: Uncertain significance for Congenital adrenal hyperplasia due to cytochrome P450 oxidoreductase deficiency. Last evaluated: 2021-11-05. Review status: criteria provided, single submitter. Criteria: Invitae Variant Classification Sherloc (09022015). Collection method: clinical testing. Allele origin: germline.
Comment: This sequence change replaces aspartic acid, which is acidic and polar, with asparagine, which is neutral and polar, at codon 648 of the POR protein (p.Asp648Asn). This variant is present in population databases (rs372930296, gnomAD 0.03%). This variant has not been reported in the literature in individuals affected with POR-related conditions. ClinVar contains an entry for this variant (Variation ID: 994082). Algorithms developed to predict the effect of missense changes on protein structure and function output the following: SIFT: "Deleterious"; PolyPhen-2: "Benign"; Align-GVGD: "Class C0". The asparagine amino acid residue is found in multiple mammalian species, which suggests that this missense change does not adversely affect protein function. In summary, the available evidence is currently insufficient to determine the role of this variant in disease. Therefore, it has been classified as a Variant of Uncertain Significance.

ARUP Laboratories, Molecular Genetics and Genomics, ARUP Laboratories
Classification: Uncertain significance. Last evaluated: 2020-04-02. Review status: criteria provided, single submitter. Criteria: ARUP Molecular Germline Variant Investigation Process. Collection method: clinical testing. Allele origin: germline.
Comment: The POR c.1942G>A; p.Asp648Asn variant (rs372930296) is reported in the literature in a cohort of healthy individuals but has not been reported in association with disease (Tomkova 2012). This variant is found in the general population with an overall allele frequency of 0.006% (17/279242 alleles) in the Genome Aggregation Database. The aspartate at codon 648 is moderately conserved and computational analyses (SIFT, PolyPhen-2) predict that this variant is tolerated. However, due to limited information, the clinical significance of the p.Asp648Asn variant is uncertain at this time. References: Tomkova M et al. Identification of six novel P450 oxidoreductase missense variants in Ashkenazi and Moroccan Jewish populations. Pharmacogenomics. 2012 Apr;13(5):543-54.

NM_001395413.1(POR):c.1933G>A (p.Asp645Asn)

Gene: POR (cytochrome p450 oxidoreductase; plus strand). Cytogenetic location: 7q11.23.
Variant type: single nucleotide variant.
Coding change: c.1933G>A on transcript NM_001395413.1 (MANE Select); coding-DNA position 1933, G replaced by A.
Protein change: p.Asp645Asn; replaces aspartic acid 645 with asparagine.
Molecular consequence: missense variant.
Genome position (GRCh38, 1-based): chr7:75,986,380, G>A. VCF-style: chr7-75986380-G-A. GRCh37 (hg19) VCF-style: chr7-75615698-G-A.
Other names: c.1933G>A, p.Asp645Asn (NM_001382657.2, NM_001382658.3, NM_001382659.3 and 1 more transcripts); c.1783G>A, p.Asp595Asn (NM_001382662.3); c.1987G>A, p.Asp663Asn (NM_001382655.3); c.1942G>A (NM_000941.2); short protein forms D595N, D645N, D663N.
Identifiers: ClinVar variation 994082 (VCV000994082.12), dbSNP rs372930296, ClinGen allele CA4304373.
Genomic context (GRCh38, chr7:75,986,380, plus strand): 5'-CCCCTCTTCCTGCCCAGGGATGCACGGAACATGGCCAGGGATGTGCAGAACACCTTCTAC[G>A]ACATCGTGGCTGAGCTCGGGGCCATGGAGCACGCGCAGGCGGTGGACTACATCAAGAAAC-3'
Protein context (NP_001382342.1, residues 635-655): MARDVQNTFY[Asp645Asn]IVAELGAMEH